The following is an entry in ClinVar:

NM_004656.4(BAP1):c.376-130T>A

Gene: BAP1 (BRCA1 associated deubiquitinase 1; minus strand). Cytogenetic location: 3p21.1.
Variant type: single nucleotide variant.
Coding change: c.376-130T>A on transcript NM_004656.4 (MANE Select); 130 bases into the intron before coding-DNA position 376, T replaced by A.
Molecular consequence: intron variant.
Genome position (GRCh38, 1-based): chr3:52,407,590, A>T on the plus strand (T>A on the coding strand, the complement: BAP1 is on the minus strand). VCF-style: chr3-52407590-A-T. GRCh37 (hg19) VCF-style: chr3-52441606-A-T.
Identifiers: ClinVar variation 676905 (VCV000676905.2), dbSNP rs419604, ClinGen allele CA74743907.

ClinVar aggregate classification (germline): Likely benign. Review status: criteria provided, multiple submitters, no conflicts (2 of 4 stars). 2 submissions from 2 submitters: Likely benign (2). Last evaluated 2018-06-18.

Allele frequency attached by ClinVar (database versions not stated): 1000 Genomes Project 30x 0.02748; 1000 Genomes Project 0.02796; gnomAD 0.03560 and 0.03607; TOPMed 0.03711; gnomAD exomes 0.04423.

Submissions (2):

GeneDx
Classification: Likely benign. Last evaluated: 2018-06-18. Review status: criteria provided, single submitter. Criteria: GeneDx Variant Classification (06012015). Collection method: clinical testing. Allele origin: germline. Affected: yes.
Comment: This variant is considered likely benign or benign based on one or more of the following criteria: it is a conservative change, it occurs at a poorly conserved position in the protein, it is predicted to be benign by multiple in silico algorithms, and/or has population frequency not consistent with disease.

Breakthrough Genomics
Classification: Likely benign. Review status: criteria provided, single submitter. Criteria: ACMG Guidelines, 2015. Collection method: not provided. Allele origin: germline. Inheritance: Autosomal dominant inheritance. Affected: yes.